The following is an entry in ClinVar:

NM_005359.6(SMAD4):c.623C>G (p.Ala208Gly)

Gene: SMAD4 (SMAD family member 4; plus strand). Cytogenetic location: 18q21.2.
Variant type: single nucleotide variant.
Coding change: c.623C>G on transcript NM_005359.6 (MANE Select); coding-DNA position 623, C replaced by G.
Protein change: p.Ala208Gly; replaces alanine 208 with glycine.
Molecular consequence: missense variant.
Genome position (GRCh38, 1-based): chr18:51,054,949, C>G. VCF-style: chr18-51054949-C-G. GRCh37 (hg19) VCF-style: chr18-48581319-C-G.
Other names: c.623C>G, p.Ala208Gly (NM_001407041.1, NM_001407042.1, NM_001407043.1); short protein forms A208G.
Identifiers: ClinVar variation 1752373 (VCV001752373.4), dbSNP rs2056820832, ClinGen allele CA402461202.
Genomic context (GRCh38, chr18:51,054,949, plus strand): 5'-ATCGTGCATCGACAGAGACATACAGCACCCCAGCTCTGTTAGCCCCATCTGAGTCTAATG[C>G]TACCAGCACTGCCAACTTTCCCAACATTCCTGTGGCTTCCACAAGTGAGTTCTAGAATCA-3'
Protein context (NP_005350.1, residues 198-218): PALLAPSESN[Ala208Gly]TSTANFPNIP

ClinVar aggregate classification (germline): Uncertain significance. Review status: criteria provided, multiple submitters, no conflicts (2 of 4 stars). 2 submissions from 2 submitters: Uncertain significance (2). Last evaluated 2024-02-15.

Conditions:
Familial thoracic aortic aneurysm and aortic dissection (TAAD). Also called: Thoracic aortic aneurysms and dissections. Identifiers: Orphanet 91387, MedGen C4707243, MONDO:0019625.
Hereditary cancer-predisposing syndrome. Also called: Neoplastic Syndromes, Hereditary; Tumor predisposition; Hereditary neoplastic syndrome; Hereditary Cancer Syndrome. Identifiers: Orphanet 140162, MedGen C0027672, MeSH D009386, MONDO:0015356.
Juvenile polyposis syndrome (JPS). Identifiers: Orphanet 2929, MedGen C0345893, MONDO:0017380, OMIM 174900.

Allele frequency attached by ClinVar (database versions not stated): gnomAD exomes below 0.00001; TOPMed below 0.00001.
gnomAD v4.1: 1 of 1,614,144 alleles (0.000062%); highest among the groups gnomAD compares: Non-Finnish European, 0.000085%; no homozygotes.

Submissions (2):

Labcorp Genetics (formerly Invitae), Labcorp
Classification: Uncertain significance for Juvenile polyposis syndrome. Last evaluated: 2024-02-15. Review status: criteria provided, single submitter. Criteria: Invitae Variant Classification Sherloc (09022015). Collection method: clinical testing. Allele origin: germline.
Comment: This sequence change replaces alanine, which is neutral and non-polar, with glycine, which is neutral and non-polar, at codon 208 of the SMAD4 protein (p.Ala208Gly). This variant is not present in population databases (gnomAD no frequency). This variant has not been reported in the literature in individuals affected with SMAD4-related conditions. ClinVar contains an entry for this variant (Variation ID: 1752373). Advanced modeling of protein sequence and biophysical properties (such as structural, functional, and spatial information, amino acid conservation, physicochemical variation, residue mobility, and thermodynamic stability) performed at Invitae indicates that this missense variant is not expected to disrupt SMAD4 protein function with a negative predictive value of 95%. In summary, the available evidence is currently insufficient to determine the role of this variant in disease. Therefore, it has been classified as a Variant of Uncertain Significance.

Ambry Genetics
Classification: Uncertain significance for Hereditary cancer-predisposing syndrome; Familial thoracic aortic aneurysm and aortic dissection. Last evaluated: 2023-11-01. Review status: criteria provided, single submitter. Criteria: Ambry Variant Classification Scheme 2023. Collection method: clinical testing. Allele origin: germline.
Comment: The p.A208G variant (also known as c.623C>G), located in coding exon 4 of the SMAD4 gene, results from a C to G substitution at nucleotide position 623. The alanine at codon 208 is replaced by glycine, an amino acid with similar properties. This amino acid position is not well conserved in available vertebrate species. In addition, the in silico prediction for this alteration is inconclusive. Since supporting evidence is limited at this time, the clinical significance of this alteration remains unclear.